The following is an entry in ClinVar:

NM_001114134.2(EPB42):c.1912A>G (p.Arg638Gly)

Gene: EPB42 (erythrocyte membrane protein band 4.2; minus strand). Cytogenetic location: 15q15.2.
Variant type: single nucleotide variant.
Coding change: c.1912A>G on transcript NM_001114134.2 (MANE Select); coding-DNA position 1912, A replaced by G.
Protein change: p.Arg638Gly; replaces arginine 638 with glycine.
Molecular consequence: missense variant.
Genome position (GRCh38, 1-based): chr15:43,201,845, T>C on the plus strand (A>G on the coding strand, the complement: EPB42 is on the minus strand). VCF-style: chr15-43201845-T-C. GRCh37 (hg19) VCF-style: chr15-43494043-T-C.
Other names: p.Arg668Gly; c.2002A>G, p.Arg668Gly (NM_000119.3); short protein forms R638G, R668G.
Identifiers: ClinVar variation 3050884 (VCV003050884.6), dbSNP rs200820078, ClinGen allele CA7520184.

ClinVar aggregate classification (germline): Conflicting classifications of pathogenicity. Review status: criteria provided, conflicting classifications (1 of 4 stars). 5 submissions from 5 submitters: Uncertain significance (3); Likely benign (1). 1 of the submissions does not count toward it. Last evaluated 2025-08-09.

Conditions:
Hereditary spherocytosis type 5. Also called: EPB42-Related Spherocytosis; EPB42-Related Hereditary Spherocytosis. Identifiers: Orphanet 822, MedGen C2675192, MONDO:0012985, OMIM 612690.
Inborn genetic diseases. Identifiers: MedGen C0950123, MeSH D030342.
EPB42-related disorder. Also called: EPB42-related condition.

Allele frequency attached by ClinVar (database versions not stated): ExAC 0.00011; gnomAD 0.00011; ESP Exome Variant Server 0.00015; 1000 Genomes Project 30x 0.00016; 1000 Genomes Project 0.00020; TOPMed 0.00025; gnomAD exomes 0.00030.
gnomAD v4.1: 460 of 1,614,228 alleles (0.028%); highest among the groups gnomAD compares: Non-Finnish European, 0.035%; no homozygotes.

Submissions (5):

Ambry Genetics
Classification: Uncertain significance for Inborn genetic diseases. Last evaluated: 2025-08-09. Review status: criteria provided, single submitter. Criteria: Ambry Variant Classification Scheme 2023. Collection method: clinical testing. Allele origin: germline.

Mayo Clinic Laboratories, Mayo Clinic
Classification: Uncertain significance. Last evaluated: 2024-12-10. Review status: criteria provided, single submitter. Criteria: ACMG Guidelines, 2015. Collection method: clinical testing. Allele origin: germline. Observed: 1 variant allele.
Comment: BP4, PM2_supporting

Blueprint Genetics
Classification: Likely benign. Last evaluated: 2024-10-15. Review status: criteria provided, single submitter. Criteria: ACMG Guidelines, 2015. Collection method: clinical testing. Allele origin: germline.

Revvity Omics, Revvity
Classification: Uncertain significance for Hereditary spherocytosis type 5. Last evaluated: 2024-04-02. Review status: criteria provided, single submitter. Criteria: ACMG Guidelines, 2015. Collection method: clinical testing. Allele origin: germline.

PreventionGenetics, part of Exact Sciences
Classification: Likely benign for EPB42-related condition. Last evaluated: 2023-04-05. Review status: no assertion criteria provided. Collection method: clinical testing. Allele origin: germline. Not counted in ClinVar's aggregate classification.
Comment: This variant is classified as likely benign based on ACMG/AMP sequence variant interpretation guidelines (Richards et al. 2015 PMID: 25741868, with internal and published modifications).